The following is an entry in ClinVar:

NM_032638.5(GATA2):c.586_593dup (p.Gly199fs)

Gene: GATA2 (GATA binding protein 2; minus strand). Cytogenetic location: 3q21.3.
Variant type: Duplication.
Coding change: c.586_593dup on transcript NM_032638.5 (MANE Select); coding-DNA positions 586 to 593, 8 bases duplicated (TCTTCCGC; older notation c.586_593dupTCTTCCGC).
Protein change: p.Gly199fs; shifts the reading frame from glycine 199.
Molecular consequence: frameshift variant.
Genome position (GRCh38, 1-based): chr3:128,486,005-128,486,012, GCGGAAGA duplicated on the plus strand (TCTTCCGC on the coding strand, the reverse complement: GATA2 is on the minus strand). VCF-style (leftmost placement, unchanged base first): chr3-128486004-C-CGCGGAAGA. GRCh37 (hg19) VCF-style: chr3-128204847-C-CGCGGAAGA.
Other names: c.586_593dup, p.Gly199fs (NM_001145661.2, NM_001145662.1); short protein forms G199fs.
Identifiers: ClinVar variation 1184213 (VCV001184213.1), dbSNP rs2107672309, ClinGen allele CA1139532789.

ClinVar aggregate classification (germline): Pathogenic (1 of 4 stars; one submission).

Conditions:
Deafness-lymphedema-leukemia syndrome. Also called: Emberger syndrome; Lymphedema, primary, with myelodysplasia. Identifiers: Orphanet 3226, MedGen C3279664, MONDO:0013540, OMIM 614038.
GATA2 deficiency with susceptibility to MDS/AML. Identifiers: MedGen CN300066, MONDO:0042982.

Submission:

Molecular Pathology Research Laboratory, SA Pathology
Classification: Pathogenic for GATA2 deficiency with susceptibility to MDS/AML; Deafness-lymphedema-leukemia syndrome. Last evaluated: 2021-07-06. Review status: criteria provided, single submitter. Criteria: ACMG Guidelines, 2015. Collection method: curation. Allele origin: germline. Inheritance: Autosomal dominant inheritance. Affected: yes. Observed: 1 variant allele.
Comment: PVS1, PS4_Supporting, PM2

Literature cited by the submitters: PubMed 24227816; PubMed 24077845; PubMed 23502222; PubMed 30578959.